The following is an entry in ClinVar:

ClinVar aggregate classification (germline): Uncertain significance. Review status: criteria provided, multiple submitters, no conflicts (2 of 4 stars). 3 submissions from 3 submitters: Uncertain significance (3). Last evaluated 2026-01-28.

Conditions:
Inborn genetic diseases. Identifiers: MedGen C0950123, MeSH D030342.

Allele frequency attached by ClinVar (database versions not stated): gnomAD exomes 0.00004; ExAC 0.00005; ESP Exome Variant Server 0.00008.
gnomAD v4.1: 64 of 1,613,750 alleles (0.004%); highest among the groups gnomAD compares: East Asian, 0.027%; no homozygotes.

Submissions (3):

GeneDx
Classification: Uncertain significance. Last evaluated: 2026-01-28. Review status: criteria provided, single submitter. Criteria: GeneDx Variant Classification Process June 2021. Collection method: clinical testing. Allele origin: germline.
Comment: In silico analysis supports that this missense variant has a deleterious effect on protein structure/function; Has not been previously published as pathogenic or benign to our knowledge

Labcorp Genetics (formerly Invitae), Labcorp
Classification: Uncertain significance. Last evaluated: 2022-03-24. Review status: criteria provided, single submitter. Criteria: Invitae Variant Classification Sherloc (09022015). Collection method: clinical testing. Allele origin: germline.
Comment: This sequence change replaces arginine, which is basic and polar, with histidine, which is basic and polar, at codon 870 of the CCDC88C protein (p.Arg870His). This variant is present in population databases (rs369010662, gnomAD 0.008%). This variant has not been reported in the literature in individuals affected with CCDC88C-related conditions. Algorithms developed to predict the effect of missense changes on protein structure and function are either unavailable or do not agree on the potential impact of this missense change (SIFT: "Deleterious"; PolyPhen-2: "Probably Damaging"; Align-GVGD: "Class C0"). In summary, the available evidence is currently insufficient to determine the role of this variant in disease. Therefore, it has been classified as a Variant of Uncertain Significance.

Ambry Genetics
Classification: Uncertain significance for Inborn genetic diseases. Last evaluated: 2021-07-13. Review status: criteria provided, single submitter. Criteria: Ambry Variant Classification Scheme 2023. Collection method: clinical testing. Allele origin: germline.

NM_001080414.4(CCDC88C):c.2609G>A (p.Arg870His)

Gene: CCDC88C (coiled-coil and HOOK domain protein 88C; minus strand). Cytogenetic location: 14q32.11.
Variant type: single nucleotide variant.
Coding change: c.2609G>A on transcript NM_001080414.4 (MANE Select); coding-DNA position 2609, G replaced by A.
Protein change: p.Arg870His; replaces arginine 870 with histidine.
Molecular consequence: missense variant.
Genome position (GRCh38, 1-based): chr14:91,313,207, C>T on the plus strand (G>A on the coding strand, the complement: CCDC88C is on the minus strand). VCF-style: chr14-91313207-C-T. GRCh37 (hg19) VCF-style: chr14-91779551-C-T.
Other names: c.2609G>A (NM_001080414.3); short protein forms R870H.
Identifiers: ClinVar variation 2142119 (VCV002142119.3), dbSNP rs369010662, ClinGen allele CA7309606.